The following is an entry in ClinVar:

ClinVar aggregate classification (germline): Uncertain significance (1 of 4 stars; one submission).

Conditions:
TTN-related disorder. Also called: TTN-related disorders; TTN-related condition; TTN-related disease.

gnomAD v4.1: 2 of 1,592,444 alleles (0.00013%); highest among the groups gnomAD compares: African/African-American, 0.0027%; no homozygotes.

Submission:

PreventionGenetics, part of Exact Sciences
Classification: Uncertain significance for TTN-related condition. Last evaluated: 2025-10-15. Review status: criteria provided, single submitter. Criteria: ACMG Guidelines, 2015. Collection method: clinical testing. Allele origin: germline.
Comment: The TTN c.90503A>G variant is predicted to result in the amino acid substitution p.Asp30168Gly. To our knowledge, this variant has not been reported in the literature or in a large population database (gnomAD), indicating this variant is rare. At this time, the clinical significance of this variant is uncertain due to the absence of conclusive functional and genetic evidence.

NM_001267550.2(TTN):c.90503A>G (p.Asp30168Gly)

Genes: TTN-AS1 (TTN antisense RNA 1; plus strand), TTN (titin; minus strand). Cytogenetic location: 2q31.2.
Variant type: single nucleotide variant.
Coding change: c.90503A>G on transcript NM_001267550.2 (MANE Select); coding-DNA position 90503, A replaced by G.
Protein change: p.Asp30168Gly; replaces aspartic acid 30168 with glycine.
Molecular consequence: missense variant.
Genome position (GRCh38, 1-based): chr2:178,552,397, T>C on the plus strand (A>G on the coding strand, the complement: TTN is on the minus strand). VCF-style: chr2-178552397-T-C. GRCh37 (hg19) VCF-style: chr2-179417124-T-C.
Other names: c.85580A>G, p.Asp28527Gly (NM_001256850.1); c.63308A>G, p.Asp21103Gly (NM_003319.4); c.82799A>G, p.Asp27600Gly (NM_133378.4); c.63683A>G, p.Asp21228Gly (NM_133432.3); c.63884A>G, p.Asp21295Gly (NM_133437.4); short protein forms D27600G, D21103G, D21295G, D28527G, D21228G, D30168G.
Identifiers: ClinVar variation 4992328 (VCV004992328.1).